The following is an entry in ClinVar:

ClinVar aggregate classification (germline): Uncertain significance. Review status: criteria provided, multiple submitters, no conflicts (2 of 4 stars). 2 submissions from 2 submitters: Uncertain significance (2). Last evaluated 2023-09-01.

Conditions:
Postaxial polydactyly-anterior pituitary anomalies-facial dysmorphism syndrome. Also called: Culler-Jones syndrome. Identifiers: Orphanet 420584, MedGen C4014479, MONDO:0014369, OMIM 615849.
Holoprosencephaly 9 (HPE9). Also called: PITUITARY ANOMALIES WITH HOLOPROSENCEPHALY-LIKE FEATURES; HOLOPROSENCEPHALY WITH MICROPHTHALMIA AND FIRST BRANCHIAL ARCH ANOMALIES. Identifiers: Orphanet 2162, MedGen C1835819, MONDO:0012563, OMIM 610829.
Inborn genetic diseases. Identifiers: MedGen C0950123, MeSH D030342.

gnomAD v4.1: 4 of 1,613,940 alleles (0.00025%); highest among the groups gnomAD compares: Admixed American, 0.005%; no homozygotes.

Submissions (2):

Labcorp Genetics (formerly Invitae), Labcorp
Classification: Uncertain significance for Postaxial polydactyly-anterior pituitary anomalies-facial dysmorphism syndrome; Holoprosencephaly 9. Last evaluated: 2023-09-01. Review status: criteria provided, single submitter. Criteria: Invitae Variant Classification Sherloc (09022015). Collection method: clinical testing. Allele origin: germline.
Comment: This sequence change replaces arginine, which is basic and polar, with proline, which is neutral and non-polar, at codon 754 of the GLI2 protein (p.Arg754Pro). This variant is present in population databases (rs144782119, gnomAD 0.006%). This variant has not been reported in the literature in individuals affected with GLI2-related conditions. ClinVar contains an entry for this variant (Variation ID: 1512739). Advanced modeling of protein sequence and biophysical properties (such as structural, functional, and spatial information, amino acid conservation, physicochemical variation, residue mobility, and thermodynamic stability) performed at Invitae indicates that this missense variant is not expected to disrupt GLI2 protein function. In summary, the available evidence is currently insufficient to determine the role of this variant in disease. Therefore, it has been classified as a Variant of Uncertain Significance.

Ambry Genetics
Classification: Uncertain significance for Inborn genetic diseases. Last evaluated: 2022-03-02. Review status: criteria provided, single submitter. Criteria: Ambry Variant Classification Scheme 2023. Collection method: clinical testing. Allele origin: germline.

NM_001374353.1(GLI2):c.2210G>C (p.Arg737Pro)

Gene: GLI2 (GLI family zinc finger 2; plus strand). Cytogenetic location: 2q14.2.
Variant type: single nucleotide variant.
Coding change: c.2210G>C on transcript NM_001374353.1 (MANE Select); coding-DNA position 2210, G replaced by C.
Protein change: p.Arg737Pro; replaces arginine 737 with proline.
Molecular consequence: missense variant.
Genome position (GRCh38, 1-based): chr2:120,986,582, G>C. VCF-style: chr2-120986582-G-C. GRCh37 (hg19) VCF-style: chr2-121744158-G-C.
Other names: c.2261G>C, p.Arg754Pro (NM_001371271.1, NM_005270.5); c.1835G>C, p.Arg612Pro (NM_001374354.1); c.2261G>C (NM_005270.4); short protein forms R612P, R754P, R737P.
Identifiers: ClinVar variation 1512739 (VCV001512739.9), dbSNP rs144782119, ClinGen allele CA1852169.